The following is an entry in ClinVar:

NM_000152.5(GAA):c.1716C>G (p.His572Gln)

Gene: GAA (alpha glucosidase; plus strand). Cytogenetic location: 17q25.3.
Variant type: single nucleotide variant.
Coding change: c.1716C>G on transcript NM_000152.5 (MANE Select); coding-DNA position 1716, C replaced by G.
Protein change: p.His572Gln; replaces histidine 572 with glutamine.
Molecular consequence: missense variant.
Genome position (GRCh38, 1-based): chr17:80,112,062, C>G. VCF-style: chr17-80112062-C-G. GRCh37 (hg19) VCF-style: chr17-78085861-C-G.
Other names: NM_001079804.3:c.1716C>G; c.1716C>G, p.His572Gln (NM_001079803.3, NM_001079804.3); short protein forms H572Q.
Identifiers: ClinVar variation 929167 (VCV000929167.10), dbSNP rs772962666, ClinGen allele CA401369055.

ClinVar aggregate classification (germline): Likely pathogenic. Review status: reviewed by expert panel (3 of 4 stars). 5 submissions from 5 submitters: Likely pathogenic (1). 4 of the submissions do not count toward it. Last evaluated 2022-05-11.

Conditions:
Glycogen storage disease, type II (IOPD). Also called: Glycogen storage disease type 2; Acid maltase deficiency disease; Aglucosidase alfa; Deficiency of alpha-glucosidase; Deficiency of lysosomal alpha-glucosidase; Glucosidase acid-1,4-alpha deficiency. Identifiers: Orphanet 365, MedGen C0017921, MONDO:0009290, OMIM 232300.

Allele frequency attached by ClinVar (database versions not stated): TOPMed below 0.00001.
gnomAD v4.1: 3 of 1,614,092 alleles (0.00019%); highest among the groups gnomAD compares: Non-Finnish European, 0.00025%; no homozygotes.

Submissions (5):

ClinGen Lysosomal Storage Disorder Variant Curation Expert Panel
Classification: Likely pathogenic for Glycogen storage disease, type II. Last evaluated: 2022-05-11. Review status: reviewed by expert panel. Criteria: clingen_lsd_acmg_specifications_v2-1. Collection method: curation. Allele origin: germline. Inheritance: Autosomal recessive inheritance.
Comment: The NM_000152.5(GAA):c.1716C>G variant in GAA is a missense variant predicted cause the substitution of histidine by clutamine at amino acid 572 (p.His572Gln). At least 3 patients with this variant had had documented GAA deficiency with activity in the affected range in muscle, cultured skin fibroblasts, leukocytes, lymphocytes, whole blood or dried blood spot (PMID: 3112512) or were reported to be on enzyme replacement therapy for Pompe disease (PMIDs: 25455803, 29122469), meeting PP4_Moderate. Of those individuals, 2 were compound heterozygous for the variant and a pathogenic variant, phase unknown. One patient was compound heterozygous for the variant and c.-32-13T>G ( PMID: 31125121). One patient was compound heterozygous for c.1716C>G (p.His572Gln) and c.1293_1312del20 (p.Gln433Aspfs*66) (PMID: 29122469), meeting the specifications for PM3. This variant is absent in gnomAD, meeting PM2_Supporting. Functional assays support a deleterious effect of this variant, when expressed in COS cells, this variant was classified as Class B ("potentially less severe") by Kroos et al, 2012 (PMID:22644586). This includes 0% GAA activity in cells and 0% in medium, and evidence of abnormal synthesis and processing on Western blot. This meets the ClinGen LSD VCEP specifications for PS3_Moderate. Computational evidence also supports a deleterious effect; REVEL score = 0.793 which is higher than the LSD VCEP threshold for PP3 (>0.7) and therefore meets this criterion. There is no Clinvar entry for this variant. In summary, this variant meets the criteria to be classified as Likely Pathogenic for Pompe disease. ACMG/AMP criteria met, based on the specification of the ClinGen LSD VCEP (Specifications Verion 2.0): PP4_Moderate, PM3, PS3_Moderate, PM2_Supporting, PP3.

Genomenon, Inc
Classification: Likely pathogenic for Glycogen storage disease, type II. Last evaluated: 2026-07-01. Review status: criteria provided, single submitter. Criteria: Genomenon Sequence Variant Interpretation Standards - Updated. Collection method: curation. Allele origin: germline. Affected: yes. Not counted in ClinVar's aggregate classification.
Comment: GAA p.His572Gln (c.1716C>G) is a missense variant that changes the amino acid at codon 572 from Histidine to Glutamine. This variant has been observed in at least one proband with a GAA-related disorder in the compound heterozygous and/or homozygous state (PMID:35477515;31899940;31125121;25455803). At least one functional study has demonstrated a substantial alteration in protein function relative to the wild-type (PMID:22644586). It is absent or not present at a significant frequency in gnomAD. In silico models predict that this variant is possibly or probably damaging. In conclusion, we classify GAA p.His572Gln (c.1716C>G) as a likely pathogenic variant.

Labcorp Genetics (formerly Invitae), Labcorp
Classification: Pathogenic for Glycogen storage disease, type II. Last evaluated: 2024-06-29. Review status: criteria provided, single submitter. Criteria: Invitae Variant Classification Sherloc (09022015). Collection method: clinical testing. Allele origin: germline. Not counted in ClinVar's aggregate classification.
Comment: This sequence change replaces histidine, which is basic and polar, with glutamine, which is neutral and polar, at codon 572 of the GAA protein (p.His572Gln). This variant is not present in population databases (gnomAD no frequency). This missense change has been observed in individual(s) with Pompe disease (PMID: 18425781, 31086307, 33301762). ClinVar contains an entry for this variant (Variation ID: 929167). Advanced modeling of protein sequence and biophysical properties (such as structural, functional, and spatial information, amino acid conservation, physicochemical variation, residue mobility, and thermodynamic stability) performed at Invitae indicates that this missense variant is expected to disrupt GAA protein function with a positive predictive value of 95%. Algorithms developed to predict the effect of sequence changes on RNA splicing suggest that this variant may create or strengthen a splice site. This variant disrupts the p.His572 amino acid residue in GAA. Other variant(s) that disrupt this residue have been determined to be pathogenic (PMID: 31086307, 33301762). This suggests that this residue is clinically significant, and that variants that disrupt this residue are likely to be disease-causing. For these reasons, this variant has been classified as Pathogenic.

Women's Health and Genetics/Laboratory Corporation of America, LabCorp
Classification: Likely pathogenic for Glycogen storage disease, type II. Last evaluated: 2024-01-04. Review status: criteria provided, single submitter. Criteria: LabCorp Variant Classification Summary - May 2015. Collection method: clinical testing. Allele origin: germline. Not counted in ClinVar's aggregate classification.
Comment: Variant summary: GAA c.1716C>G (p.His572Gln) results in a non-conservative amino acid change located in the Catalytic GH31 domain (PMID 29061980) of the encoded protein sequence. Five of five in-silico tools predict a damaging effect of the variant on protein function. The variant was absent in 251340 control chromosomes (gnomAD). c.1716C>G has been reported in the literature in individuals affected with Glycogen Storage Disease, Type 2 (Pompe Disease, e.g. Kroos_2008, Vill_2015, Mori_2017, Kishnani_2019, Thomas_2021, Enax-Krumova_2022), and some were reported as compound heterozygous with other pathogenic variants. These data indicate that the variant is likely to be associated with disease. At least one publication reports experimental evidence evaluating an impact on protein function and showed that this variant results in loss of acid alpha-glucosidase activity (Kroos_2012). The following publications have been ascertained in the context of this evaluation (PMID: 18425781, 22644586, 29122469, 30442156, 25455803, 33301762, 31086307, 35477515). ClinVar contains an entry for this variant (Variation ID: 929167). Two submitters, including a ClinGen expert panel, classified the variant as likely pathogenic. Based on the evidence outlined above, the variant was classified as likely pathogenic.

Revvity Omics, Revvity
Classification: Likely pathogenic. Last evaluated: 2023-01-04. Review status: criteria provided, single submitter. Criteria: ACMG Guidelines, 2015. Collection method: clinical testing. Allele origin: germline. Not counted in ClinVar's aggregate classification.

Literature cited by the submitters: PubMed 35477515 (cited by Genomenon, Inc and Women's Health and Genetics/Laboratory Corporation of America, LabCorp); PubMed 31899940 (cited by Genomenon, Inc); PubMed 31125121 (cited by Genomenon, Inc); PubMed 25455803 (cited by Genomenon, Inc and Women's Health and Genetics/Laboratory Corporation of America, LabCorp); PubMed 22644586 (cited by Genomenon, Inc and Women's Health and Genetics/Laboratory Corporation of America, LabCorp); PubMed 18425781 (cited by Labcorp Genetics (formerly Invitae), Labcorp and Women's Health and Genetics/Laboratory Corporation of America, LabCorp); PubMed 31086307 (cited by Labcorp Genetics (formerly Invitae), Labcorp and Women's Health and Genetics/Laboratory Corporation of America, LabCorp); PubMed 33301762 (cited by Labcorp Genetics (formerly Invitae), Labcorp and Women's Health and Genetics/Laboratory Corporation of America, LabCorp); PubMed 29122469 (cited by Women's Health and Genetics/Laboratory Corporation of America, LabCorp); PubMed 30442156 (cited by Women's Health and Genetics/Laboratory Corporation of America, LabCorp).